The following is an entry in ClinVar:

NM_002458.3(MUC5B):c.13542C>T (p.Ala4514=)

Gene: MUC5B (mucin 5B, oligomeric mucus/gel-forming; plus strand). Cytogenetic location: 11p15.5.
Variant type: single nucleotide variant.
Coding change: c.13542C>T on transcript NM_002458.3 (MANE Select); coding-DNA position 13542, C replaced by T.
Protein change: p.Ala4514=; no amino-acid change (alanine 4514 retained).
Molecular consequence: synonymous variant.
Genome position (GRCh38, 1-based): chr11:1,250,422, C>T. VCF-style: chr11-1250422-C-T. GRCh37 (hg19) VCF-style: chr11-1271652-C-T.
Identifiers: ClinVar variation 2641299 (VCV002641299.24), dbSNP rs1327806733, ClinGen allele CA472455097.

ClinVar aggregate classification (germline): Likely benign (1 of 4 stars; one submission).

Allele frequency attached by ClinVar (database versions not stated): TOPMed below 0.00001.

Submission:

CeGaT Center for Human Genetics Tuebingen
Classification: Likely benign. Last evaluated: 2026-01-01. Review status: criteria provided, single submitter. Criteria: CeGaT Center For Human Genetics Tuebingen Variant Classification Criteria Version 2. Collection method: clinical testing. Allele origin: germline. Affected: yes. Observed: 3 variant alleles.
Comment: MUC5B: BP4, BP7